The following is an entry in ClinVar:

ClinVar aggregate classification (germline): Uncertain significance (1 of 4 stars; one submission).

Conditions:
Lethal multiple pterygium syndrome (LMPS). Identifiers: Orphanet 33108, MedGen C1854678, MONDO:0009668, OMIM 253290.

Allele frequency attached by ClinVar (database versions not stated): gnomAD exomes 0.00001; TOPMed 0.00004.

Submission:

Labcorp Genetics (formerly Invitae), Labcorp
Classification: Uncertain significance for Lethal multiple pterygium syndrome. Last evaluated: 2023-05-05. Review status: criteria provided, single submitter. Criteria: Invitae Variant Classification Sherloc (09022015). Collection method: clinical testing. Allele origin: germline.
Comment: In summary, the available evidence is currently insufficient to determine the role of this variant in disease. Therefore, it has been classified as a Variant of Uncertain Significance. Advanced modeling of protein sequence and biophysical properties (such as structural, functional, and spatial information, amino acid conservation, physicochemical variation, residue mobility, and thermodynamic stability) performed at Invitae indicates that this missense variant is not expected to disrupt CHRNA1 protein function. This variant has not been reported in the literature in individuals affected with CHRNA1-related conditions. This variant is present in population databases (no rsID available, gnomAD 0.009%). This sequence change replaces tyrosine, which is neutral and polar, with cysteine, which is neutral and slightly polar, at codon 421 of the CHRNA1 protein (p.Tyr421Cys).

NM_000079.4(CHRNA1):c.1262A>G (p.Tyr421Cys)

Gene: CHRNA1 (cholinergic receptor nicotinic alpha 1 subunit; minus strand). Cytogenetic location: 2q31.1.
Variant type: single nucleotide variant.
Coding change: c.1262A>G on transcript NM_000079.4 (MANE Select); coding-DNA position 1262, A replaced by G.
Protein change: p.Tyr421Cys; replaces tyrosine 421 with cysteine.
Molecular consequence: missense variant.
Genome position (GRCh38, 1-based): chr2:174,748,236, T>C on the plus strand (A>G on the coding strand, the complement: CHRNA1 is on the minus strand). VCF-style: chr2-174748236-T-C. GRCh37 (hg19) VCF-style: chr2-175612964-T-C.
Other names: c.1337A>G, p.Tyr446Cys (NM_001039523.3); short protein forms Y421C, Y446C.
Identifiers: ClinVar variation 2896142 (VCV002896142.3), dbSNP rs1438430247, ClinGen allele CA349333798.